The following is an entry in ClinVar:

NM_001130823.3(DNMT1):c.3194C>T (p.Ala1065Val)

Gene: DNMT1 (DNA methyltransferase 1; minus strand). Cytogenetic location: 19p13.2.
Variant type: single nucleotide variant.
Coding change: c.3194C>T on transcript NM_001130823.3 (MANE Select); coding-DNA position 3194, C replaced by T.
Protein change: p.Ala1065Val; replaces alanine 1065 with valine.
Molecular consequence: missense variant.
Genome position (GRCh38, 1-based): chr19:10,142,143, G>A on the plus strand (C>T on the coding strand, the complement: DNMT1 is on the minus strand). VCF-style: chr19-10142143-G-A. GRCh37 (hg19) VCF-style: chr19-10252819-G-A.
Other names: c.3146C>T, p.Ala1049Val (NM_001318730.2, NM_001379.4); c.2831C>T, p.Ala944Val (NM_001318731.2); short protein forms A1065V, A1049V, A944V.
Identifiers: ClinVar variation 3730284 (VCV003730284.2).
Genomic context (GRCh38, chr19:10,142,143, plus strand): 5'-GGCAGGTCCTCCCCATACTCCACGGTGCAGCGGCCCTGCACAGCCTTGAAGTCCACCACG[G>A]CCTCCTCGTCGCTCCAGTAGAGCAGGTTGATGTCTGCGTGGTAGCTCGCTGGAGTGGACT-3'
Protein context (NP_001124295.1, residues 1055-1075): INLLYWSDEE[Ala1065Val]VVDFKAVQGR

ClinVar aggregate classification (germline): Uncertain significance (1 of 4 stars; one submission).

Conditions:
Hereditary sensory neuropathy-deafness-dementia syndrome. Also called: HSN IE; NEUROPATHY, HEREDITARY SENSORY, WITH HEARING LOSS AND DEMENTIA; Hereditary Sensory and Autonomic Neuropathy Type 1E (HSAN1E); Hereditary sensory neuropathy type IE. Identifiers: Orphanet 456318, MedGen C3279885, MONDO:0013584, OMIM 614116.

gnomAD v4.1: 4 of 1,614,006 alleles (0.00025%); highest among the groups gnomAD compares: Non-Finnish European, 0.00025%; no homozygotes.

Submission:

Labcorp Genetics (formerly Invitae), Labcorp
Classification: Uncertain significance for Hereditary sensory neuropathy-deafness-dementia syndrome. Last evaluated: 2024-04-23. Review status: criteria provided, single submitter. Criteria: Invitae Variant Classification Sherloc (09022015). Collection method: clinical testing. Allele origin: germline.
Comment: This sequence change replaces alanine, which is neutral and non-polar, with valine, which is neutral and non-polar, at codon 1065 of the DNMT1 protein (p.Ala1065Val). This variant is present in population databases (rs762862182, gnomAD 0.002%). This variant has not been reported in the literature in individuals affected with DNMT1-related conditions. Advanced modeling of protein sequence and biophysical properties (such as structural, functional, and spatial information, amino acid conservation, physicochemical variation, residue mobility, and thermodynamic stability) performed at Invitae indicates that this missense variant is not expected to disrupt DNMT1 protein function with a negative predictive value of 80%. In summary, the available evidence is currently insufficient to determine the role of this variant in disease. Therefore, it has been classified as a Variant of Uncertain Significance.